The following is an entry in ClinVar:

NM_001605.3(AARS1):c.1981G>A (p.Glu661Lys)

Gene: AARS1 (alanyl-tRNA synthetase 1; minus strand). Cytogenetic location: 16q22.1.
Variant type: single nucleotide variant.
Coding change: c.1981G>A on transcript NM_001605.3 (MANE Select); coding-DNA position 1981, G replaced by A.
Protein change: p.Glu661Lys; replaces glutamic acid 661 with lysine.
Molecular consequence: missense variant.
Genome position (GRCh38, 1-based): chr16:70,258,991, C>T on the plus strand (G>A on the coding strand, the complement: AARS1 is on the minus strand). VCF-style: chr16-70258991-C-T. GRCh37 (hg19) VCF-style: chr16-70292894-C-T.
Other names: short protein forms E661K.
Identifiers: ClinVar variation 2993315 (VCV002993315.3), dbSNP rs2506997696, ClinGen allele CA396557909.

ClinVar aggregate classification (germline): Uncertain significance (1 of 4 stars; one submission).

Conditions:
Charcot-Marie-Tooth disease type 2. Also called: Charcot-Marie-Tooth type 2. Identifiers: Orphanet 64746, MedGen C0270914, MONDO:0018993.

Submission:

Labcorp Genetics (formerly Invitae), Labcorp
Classification: Uncertain significance for Charcot-Marie-Tooth disease type 2. Last evaluated: 2023-04-09. Review status: criteria provided, single submitter. Criteria: Invitae Variant Classification Sherloc (09022015). Collection method: clinical testing. Allele origin: germline.
Comment: This variant is not present in population databases (gnomAD no frequency). In summary, the available evidence is currently insufficient to determine the role of this variant in disease. Therefore, it has been classified as a Variant of Uncertain Significance. Advanced modeling of protein sequence and biophysical properties (such as structural, functional, and spatial information, amino acid conservation, physicochemical variation, residue mobility, and thermodynamic stability) performed at Invitae indicates that this missense variant is not expected to disrupt AARS protein function. This variant has not been reported in the literature in individuals affected with AARS-related conditions. This sequence change replaces glutamic acid, which is acidic and polar, with lysine, which is basic and polar, at codon 661 of the AARS protein (p.Glu661Lys).